The following is an entry in ClinVar:

NM_007289.4(MME):c.217A>G (p.Met73Val)

Gene: MME (membrane metalloendopeptidase; plus strand). Cytogenetic location: 3q25.2.
Variant type: single nucleotide variant.
Coding change: c.217A>G on transcript NM_007289.4 (MANE Select); coding-DNA position 217, A replaced by G.
Protein change: p.Met73Val; replaces methionine 73 with valine.
Molecular consequence: missense variant.
Genome position (GRCh38, 1-based): chr3:155,115,014, A>G. VCF-style: chr3-155115014-A-G. GRCh37 (hg19) VCF-style: chr3-154832803-A-G.
Other names: c.217A>G, p.Met73Val (NM_000902.5, NM_001354642.2, NM_001354643.1 and 2 more transcripts); short protein forms M73V.
Identifiers: ClinVar variation 2203457 (VCV002203457.2), dbSNP rs149683309, ClinGen allele CA2675080.
Genomic context (GRCh38, chr3:155,115,014, plus strand): 5'-AAACCCATCATTTTATCTAGTGTTTTCTCTGCTCTTGCAGCTGCTCGACTGATCCAAAAC[A>G]TGGATGCCACCACTGAGCCTTGTACAGACTTTTTCAAATATGCTTGCGGAGGCTGGTTGA-3'
Protein context (NP_009220.2, residues 63-83): IKSAARLIQN[Met73Val]DATTEPCTDF

ClinVar aggregate classification (germline): Uncertain significance. Review status: criteria provided, multiple submitters, no conflicts (2 of 4 stars). 2 submissions from 2 submitters: Uncertain significance (2). Last evaluated 2025-05-08.

Allele frequency attached by ClinVar (database versions not stated): ExAC 0.00008; TOPMed 0.00009; gnomAD 0.00011; ESP Exome Variant Server 0.00023; 1000 Genomes Project 0.00060; 1000 Genomes Project 30x 0.00078.
gnomAD v4.1: 49 of 1,614,148 alleles (0.003%); highest among the groups gnomAD compares: African/African-American, 0.049%; no homozygotes.

Submissions (2):

Women's Health and Genetics/Laboratory Corporation of America, LabCorp
Classification: Uncertain significance. Last evaluated: 2025-05-08. Review status: criteria provided, single submitter. Criteria: LabCorp Variant Classification Summary - May 2015. Collection method: clinical testing. Allele origin: germline.
Comment: Variant summary: MME c.217A>G (p.Met73Val) results in a conservative amino acid change in the encoded protein sequence. Algorithms developed to predict the effect of missense changes on protein structure and function are either unavailable or do not agree on the potential impact of this missense change. The variant allele was found at a frequency of 4e-05 in 251382 control chromosomes. This frequency is not significantly higher than estimated for a pathogenic variant in MME causing Charcot-Marie-Tooth disease, axonal, type 2T-AR (4e-05 vs 0.0011), allowing no conclusion about variant significance. To our knowledge, no occurrence of c.217A>G in individuals affected with Charcot-Marie-Tooth disease, axonal, type 2T-AR has been reported. At least one publication reports experimental evidence evaluating an impact on protein function. The most pronounced variant effect results in 10%-<30% of normal enzyme activity (e.g. Pereira_2010). The following publication has been ascertained in the context of this evaluation (PMID: 20692264). ClinVar contains an entry for this variant (Variation ID: 2203457). Based on the evidence outlined above, the variant was classified as VUS-possibly pathogenic.

Labcorp Genetics (formerly Invitae), Labcorp
Classification: Uncertain significance. Last evaluated: 2022-06-26. Review status: criteria provided, single submitter. Criteria: Invitae Variant Classification Sherloc (09022015). Collection method: clinical testing. Allele origin: germline.
Comment: This sequence change replaces methionine, which is neutral and non-polar, with valine, which is neutral and non-polar, at codon 73 of the MME protein (p.Met73Val). This variant is present in population databases (rs149683309, gnomAD 0.04%). This variant has not been reported in the literature in individuals affected with MME-related conditions. Algorithms developed to predict the effect of missense changes on protein structure and function are either unavailable or do not agree on the potential impact of this missense change (SIFT: "Deleterious"; PolyPhen-2: "Benign"; Align-GVGD: "Class C0"). Experimental studies have shown that this missense change affects MME function (PMID: 20692264). In summary, the available evidence is currently insufficient to determine the role of this variant in disease. Therefore, it has been classified as a Variant of Uncertain Significance.

Literature cited by the submitters: PubMed 20692264 (cited by Women's Health and Genetics/Laboratory Corporation of America, LabCorp and Labcorp Genetics (formerly Invitae), Labcorp).